The following is an entry in ClinVar:

NM_032043.3(BRIP1):c.1386A>C (p.Glu462Asp)

Gene: BRIP1 (BRCA1 interacting DNA helicase 1; minus strand). Cytogenetic location: 17q23.2.
Variant type: single nucleotide variant.
Coding change: c.1386A>C on transcript NM_032043.3 (MANE Select); coding-DNA position 1386, A replaced by C.
Protein change: p.Glu462Asp; replaces glutamic acid 462 with aspartic acid.
Molecular consequence: missense variant.
Genome position (GRCh38, 1-based): chr17:61,793,684, T>G on the plus strand (A>C on the coding strand, the complement: BRIP1 is on the minus strand). VCF-style: chr17-61793684-T-G. GRCh37 (hg19) VCF-style: chr17-59871045-T-G.
Other names: short protein forms E462D.
Identifiers: ClinVar variation 3261831 (VCV003261831.1).

ClinVar aggregate classification (germline): Uncertain significance (1 of 4 stars; one submission).

Conditions:
Hereditary cancer-predisposing syndrome. Also called: Hereditary Cancer Syndrome; Tumor predisposition; Hereditary neoplastic syndrome; Neoplastic Syndromes, Hereditary. Identifiers: Orphanet 140162, MedGen C0027672, MeSH D009386, MONDO:0015356.

Submission:

Ambry Genetics
Classification: Uncertain significance for Hereditary cancer-predisposing syndrome. Last evaluated: 2024-06-03. Review status: criteria provided, single submitter. Criteria: Ambry Variant Classification Scheme 2023. Collection method: clinical testing. Allele origin: germline.
Comment: The p.E462D variant (also known as c.1386A>C), located in coding exon 9 of the BRIP1 gene, results from an A to C substitution at nucleotide position 1386. The glutamic acid at codon 462 is replaced by aspartic acid, an amino acid with highly similar properties. This amino acid position is conserved. In addition, this alteration is predicted to be tolerated by in silico analysis. Based on the available evidence, the clinical significance of this variant remains unclear.